The following is an entry in ClinVar:

NM_020297.4(ABCC9):c.2333_2336del (p.Lys778fs)

Gene: ABCC9 (ATP binding cassette subfamily C member 9; minus strand). Cytogenetic location: 12p12.1.
Variant type: Microsatellite.
Coding change: c.2333_2336del on transcript NM_020297.4 (MANE Select); coding-DNA positions 2333 to 2336, 4 bases deleted (AACA; older notation c.2333_2336delAACA).
Protein change: p.Lys778fs; shifts the reading frame from lysine 778.
Molecular consequence: frameshift variant.
Genome position (GRCh38, 1-based): chr12:21,862,956-21,862,959, TGTT deleted on the plus strand (AACA on the coding strand, the reverse complement: ABCC9 is on the minus strand); deleting any 4 consecutive bases within chr12:21,862,956-21,862,963 gives the same sequence; the c. name uses the placement nearest the transcript's 3' end. VCF-style (leftmost placement, unchanged base first): chr12-21862955-CTGTT-C. GRCh37 (hg19) VCF-style: chr12-22015889-CTGTT-C.
Other names: c.2333_2336del, p.Lys778fs (NM_001377273.1, NM_005691.4); c.1466_1469del, p.Lys489fs (NM_001377274.1); c.2329_2332AACA[1], p.Lys778Argfs (NM_005691.2); c.2333_2336delAACA (NM_005691.2); short protein forms K489fs, K778fs.
Identifiers: ClinVar variation 3224916 (VCV003224916.1), dbSNP rs2541232469, ClinGen allele CA645592832.

ClinVar aggregate classification (germline): Uncertain significance (1 of 4 stars; one submission).

Conditions:
Cardiovascular phenotype. Identifiers: MedGen CN230736.

Submission:

Ambry Genetics
Classification: Uncertain significance for Cardiovascular phenotype. Last evaluated: 2024-03-01. Review status: criteria provided, single submitter. Criteria: Ambry Variant Classification Scheme 2023. Collection method: clinical testing. Allele origin: germline.
Comment: The c.2333_2336delAACA variant, located in coding exon 18 of the ABCC9 gene, results from a deletion of 4 nucleotides at nucleotide positions 2333 to 2336, causing a translational frameshift with a predicted alternate stop codon (p.K778Rfs*34). This alteration is expected to result in protein truncation or nonsense-mediated mRNA decay. However, loss of function of ABCC9 has not been established as a mechanism of disease. Based on the available evidence, the clinical significance of this alteration remains unclear.